The following is an entry in ClinVar:

NM_000091.5(COL4A3):c.1307G>A (p.Gly436Glu)

Genes: COL4A3 (collagen type IV alpha 3 chain; plus strand), MFF-DT (MFF divergent transcript; minus strand). Cytogenetic location: 2q36.3.
Variant type: single nucleotide variant.
Coding change: c.1307G>A on transcript NM_000091.5 (MANE Select); coding-DNA position 1307, G replaced by A.
Protein change: p.Gly436Glu; replaces glycine 436 with glutamic acid.
Molecular consequence: missense variant.
Genome position (GRCh38, 1-based): chr2:227,263,936, G>A. VCF-style: chr2-227263936-G-A. GRCh37 (hg19) VCF-style: chr2-228128652-G-A.
Other names: short protein forms G436E.
Identifiers: ClinVar variation 2662971 (VCV002662971.2), dbSNP rs1237274947, ClinGen allele CA350869598.

ClinVar aggregate classification (germline): Conflicting classifications of pathogenicity. Review status: criteria provided, conflicting classifications (1 of 4 stars). 2 submissions from 2 submitters: Likely pathogenic (1); Uncertain significance (1). Last evaluated 2023-04-10.

Conditions:
COL4A3-related disorder. Also called: COL4A3-Related Disorders; COL4A3-related condition.

Submissions (2):

GeneDx
Classification: Uncertain significance. Last evaluated: 2023-04-10. Review status: criteria provided, single submitter. Criteria: GeneDx Variant Classification Process June 2021. Collection method: clinical testing. Allele origin: germline. Affected: yes.
Comment: Affects a glycine residue in a Gly-X-Y motif in the triple helical region of the COL4A3 gene; Not observed at significant frequency in large population cohorts (gnomAD); In silico analysis supports that this missense variant has a deleterious effect on protein structure/function; Has not been previously published as pathogenic or benign to our knowledge

Blueprint Genetics
Classification: Likely pathogenic for COL4A3-related disorders. Last evaluated: 2021-08-25. Review status: criteria provided, single submitter. Criteria: ACMG Guidelines, 2015. Collection method: clinical testing. Allele origin: germline. Affected: yes. Observed: 1 variant allele.